The following is an entry in ClinVar:

NM_001270520.2(DAAM1):c.1134G>A (p.Pro378=)

Gene: DAAM1 (dishevelled associated activator of morphogenesis 1; plus strand). Cytogenetic location: 14q23.1.
Variant type: single nucleotide variant.
Coding change: c.1134G>A on transcript NM_001270520.2 (MANE Select); coding-DNA position 1134, G replaced by A.
Protein change: p.Pro378=; no amino-acid change (proline 378 retained).
Molecular consequence: synonymous variant.
Genome position (GRCh38, 1-based): chr14:59,326,037, G>A. VCF-style: chr14-59326037-G-A. GRCh37 (hg19) VCF-style: chr14-59792755-G-A.
Other names: c.1134G>A, p.Pro378= (NM_014992.2).
Identifiers: ClinVar variation 719367 (VCV000719367.6), dbSNP rs61755642, ClinGen allele CA7207416.

ClinVar aggregate classification (germline): Benign. Review status: criteria provided, single submitter (1 of 4 stars). 2 submissions from 2 submitters: Benign (1). 1 of the submissions does not count toward it. Last evaluated 2019-12-31.

Conditions:
DAAM1-related disorder. Also called: DAAM1-related condition.

Allele frequency attached by ClinVar (database versions not stated): 1000 Genomes Project 30x 0.00141; 1000 Genomes Project 0.00180; TOPMed 0.00343; ESP Exome Variant Server 0.00454; gnomAD exomes 0.00423; ExAC 0.00439; gnomAD 0.00449 and 0.00463.
gnomAD v4.1: 9,995 of 1,614,170 alleles (0.62%); highest among the groups gnomAD compares: Non-Finnish European, 0.74%; 41 homozygotes.

Submissions (2):

Labcorp Genetics (formerly Invitae), Labcorp
Classification: Benign. Last evaluated: 2019-12-31. Review status: criteria provided, single submitter. Criteria: Invitae Variant Classification Sherloc (09022015). Collection method: clinical testing. Allele origin: germline.

PreventionGenetics, part of Exact Sciences
Classification: Benign for DAAM1-related condition. Last evaluated: 2019-11-18. Review status: no assertion criteria provided. Collection method: clinical testing. Allele origin: germline. Not counted in ClinVar's aggregate classification.
Comment: This variant is classified as benign based on ACMG/AMP sequence variant interpretation guidelines (Richards et al. 2015 PMID: 25741868, with internal and published modifications).